The following is an entry in ClinVar:

NM_001042492.3(NF1):c.3895A>C (p.Lys1299Gln)

Gene: NF1 (neurofibromin 1; plus strand). Cytogenetic location: 17q11.2.
Variant type: single nucleotide variant.
Coding change: c.3895A>C on transcript NM_001042492.3 (MANE Select); coding-DNA position 3895, A replaced by C.
Protein change: p.Lys1299Gln; replaces lysine 1299 with glutamine.
Molecular consequence: missense variant.
Genome position (GRCh38, 1-based): chr17:31,235,942, A>C. VCF-style: chr17-31235942-A-C. GRCh37 (hg19) VCF-style: chr17-29562960-A-C.
Other names: c.3895A>C, p.Lys1299Gln (NM_000267.4); short protein forms K1299Q.
Identifiers: ClinVar variation 1017505 (VCV001017505.5), dbSNP rs2067193845, ClinGen allele CA398993065.
Genomic context (GRCh38, chr17:31,235,942, plus strand): 5'-CAGGTATAATAAACTCCTATTCGTGCATTTCTGTAGGTATATGGTGCTACCTATCTACAA[A>C]AACTCCTGGATCCTTTATTACGAATTGTGATCACATCCTCTGATTGGCAACATGTTAGCT-3'
Protein context (NP_001035957.1, residues 1289-1309): FKVYGATYLQ[Lys1299Gln]LLDPLLRIVI

ClinVar aggregate classification (germline): Uncertain significance (1 of 4 stars; one submission).

Conditions:
Neurofibromatosis, type 1 (NF1). Also called: VON RECKLINGHAUSEN DISEASE; Neurofibromatosis, type I; NEUROFIBROMATOSIS, TYPE I, SOMATIC; Peripheral type neurofibromatosis. Identifiers: Orphanet 636, MedGen C0027831, MONDO:0018975, OMIM 162200. Disease mechanism: loss of function.

Submission:

Labcorp Genetics (formerly Invitae), Labcorp
Classification: Uncertain significance for Neurofibromatosis, type 1. Last evaluated: 2020-07-22. Review status: criteria provided, single submitter. Criteria: Invitae Variant Classification Sherloc (09022015). Collection method: clinical testing. Allele origin: germline.
Comment: In summary, the available evidence is currently insufficient to determine the role of this variant in disease. Therefore, it has been classified as a Variant of Uncertain Significance. Algorithms developed to predict the effect of missense changes on protein structure and function are either unavailable or do not agree on the potential impact of this missense change (SIFT: "Deleterious"; PolyPhen-2: "Probably Damaging"; Align-GVGD: "Class C0"). This variant has not been reported in the literature in individuals with NF1-related conditions. This variant is not present in population databases (ExAC no frequency). This sequence change replaces lysine with glutamine at codon 1299 of the NF1 protein (p.Lys1299Gln). The lysine residue is moderately conserved and there is a small physicochemical difference between lysine and glutamine.